The following is an entry in ClinVar:

ClinVar aggregate classification (germline): Uncertain significance. Review status: criteria provided, multiple submitters, no conflicts (2 of 4 stars). 3 submissions from 3 submitters: Uncertain significance (3). Last evaluated 2026-02-02.

Allele frequency attached by ClinVar (database versions not stated): ExAC 0.00001; gnomAD 0.00001; gnomAD exomes 0.00001; TOPMed 0.00003.
gnomAD v4.1: 16 of 1,612,586 alleles (0.00099%); highest among the groups gnomAD compares: Non-Finnish European, 0.0012%; no homozygotes.

Submissions (3):

GeneDx
Classification: Uncertain significance. Last evaluated: 2026-02-02. Review status: criteria provided, single submitter. Criteria: GeneDx Variant Classification Process June 2021. Collection method: clinical testing. Allele origin: germline.
Comment: Not observed at significant frequency in large population cohorts (gnomAD); Missense variant in a gene in which most reported pathogenic variants are truncating/loss of function; Has not been previously published as pathogenic or benign to our knowledge

Mayo Clinic Laboratories, Mayo Clinic
Classification: Uncertain significance. Last evaluated: 2025-09-30. Review status: criteria provided, single submitter. Criteria: ACMG Guidelines, 2015. Collection method: clinical testing. Allele origin: germline. Observed: 1 variant allele.
Comment: BP4_moderate, PM2_supporting

Revvity Omics, Revvity
Classification: Uncertain significance. Last evaluated: 2019-07-24. Review status: criteria provided, single submitter. Criteria: ACMG Guidelines, 2015. Collection method: clinical testing. Allele origin: germline.

NM_001267550.2(TTN):c.29854G>C (p.Asp9952His)

Gene: TTN (titin; minus strand). Cytogenetic location: 2q31.2.
Variant type: single nucleotide variant.
Coding change: c.29854G>C on transcript NM_001267550.2 (MANE Select); coding-DNA position 29854, G replaced by C.
Protein change: p.Asp9952His; replaces aspartic acid 9952 with histidine.
Molecular consequence: missense variant. On other transcripts: intron variant (3).
Genome position (GRCh38, 1-based): chr2:178,704,618, C>G on the plus strand (G>C on the coding strand, the complement: TTN is on the minus strand). VCF-style: chr2-178704618-C-G. GRCh37 (hg19) VCF-style: chr2-179569345-C-G.
Other names: p.Asp9635His; c.26122G>C, p.Asp8708His (NM_133378.4); c.13282+33464G>C (NM_003319.4); c.13858+33464G>C (NM_133437.4); c.13657+33464G>C (NM_133432.3); c.28903G>C, p.Asp9635His (NM_001256850.1); short protein forms D8708H, D9635H, D9952H.
Identifiers: ClinVar variation 2437416 (VCV002437416.5), dbSNP rs773555150, ClinGen allele CA1999299.
Genomic context (GRCh38, chr2:178,704,618, plus strand): 5'-GATAATTGCCCTGGTCTTTAAGTTGACAGTTTTTGACTCTGAGTGTATGTCGGTCACCAT[C>G]AATGCTTATTTCAAATTTATCACTGGGTTCCAGTTTTTCAGTTCCTTTGTACCACGAAAG-3'
Protein context (NP_001254479.2, residues 9942-9962): EPSDKFEISI[Asp9952His]GDRHTLRVKN